The following is an entry in ClinVar:

NM_003242.6(TGFBR2):c.32C>T (p.Pro11Leu)

Gene: TGFBR2 (transforming growth factor beta receptor 2; plus strand). Cytogenetic location: 3p24.1.
Variant type: single nucleotide variant.
Coding change: c.32C>T on transcript NM_003242.6 (MANE Select); coding-DNA position 32, C replaced by T.
Protein change: p.Pro11Leu; replaces proline 11 with leucine.
Molecular consequence: missense variant. On other transcripts: 5 prime UTR variant (4), intron variant (2).
Genome position (GRCh38, 1-based): chr3:30,606,915, C>T. VCF-style: chr3-30606915-C-T. GRCh37 (hg19) VCF-style: chr3-30648407-C-T.
Other names: c.32C>T, p.Pro11Leu (NM_001024847.3, NM_001407126.1, NM_001407127.1 and 4 more transcripts); c.-252C>T (NM_001407133.1); c.-130C>T (NM_001407134.1); c.-177C>T (NM_001407135.1); c.-262C>T (NM_001407136.1); c.-12+322C>T (NM_001407129.1, NM_001407132.1); short protein forms P11L.
Identifiers: ClinVar variation 3616479 (VCV003616479.2).

ClinVar aggregate classification (germline): Uncertain significance (1 of 4 stars; one submission).

Conditions:
Familial thoracic aortic aneurysm and aortic dissection (TAAD). Also called: Thoracic aortic aneurysms and dissections. Identifiers: Orphanet 91387, MedGen C4707243, MONDO:0019625.

gnomAD v4.1: 2 of 1,595,910 alleles (0.00013%); highest among the groups gnomAD compares: Admixed American, 0.0034%; no homozygotes.

Submission:

Labcorp Genetics (formerly Invitae), Labcorp
Classification: Uncertain significance for Familial thoracic aortic aneurysm and aortic dissection. Last evaluated: 2024-02-17. Review status: criteria provided, single submitter. Criteria: Invitae Variant Classification Sherloc (09022015). Collection method: clinical testing. Allele origin: germline.
Comment: This sequence change replaces proline, which is neutral and non-polar, with leucine, which is neutral and non-polar, at codon 11 of the TGFBR2 protein (p.Pro11Leu). The frequency data for this variant in the population databases is considered unreliable, as metrics indicate poor data quality at this position in the gnomAD database. This variant has not been reported in the literature in individuals affected with TGFBR2-related conditions. Advanced modeling of protein sequence and biophysical properties (such as structural, functional, and spatial information, amino acid conservation, physicochemical variation, residue mobility, and thermodynamic stability) performed at Invitae indicates that this missense variant is not expected to disrupt TGFBR2 protein function with a negative predictive value of 95%. In summary, the available evidence is currently insufficient to determine the role of this variant in disease. Therefore, it has been classified as a Variant of Uncertain Significance.